The following is an entry in ClinVar:

ClinVar aggregate classification (germline): Pathogenic/Likely pathogenic. Review status: criteria provided, multiple submitters, no conflicts (2 of 4 stars). 2 submissions from 2 submitters: Pathogenic (1); Likely pathogenic (1). Last evaluated 2025-08-09.

Conditions:
Osteogenesis imperfecta type I (OI1). Also called: Osteogenesis imperfecta type 1; Lobstein disease; Classic Non-deforming Osteogenesis Imperfecta with Blue Sclerae; OI, TYPE I; OSTEOGENESIS IMPERFECTA TARDA; OSTEOGENESIS IMPERFECTA WITH BLUE SCLERAE. Identifiers: Orphanet 216796, Orphanet 666, MedGen C0023931, MONDO:0008146, OMIM 166200. Disease mechanism: loss of function.
Ehlers-Danlos syndrome, classic type, 1 (EDSCL1). Also called: Ehlers-Danlos Syndrome, Classic Type, COL5A1-Related; EHLERS-DANLOS SYNDROME, GRAVIS TYPE; EHLERS-DANLOS SYNDROME, SEVERE CLASSIC TYPE; EDS I; Ehlers-Danlos syndrome, type 1. Identifiers: MedGen C0268335, MONDO:0019567, OMIM 130000.

Submissions (2):

Labcorp Genetics (formerly Invitae), Labcorp
Classification: Pathogenic for Osteogenesis imperfecta type I; Ehlers-Danlos syndrome, classic type, 1. Last evaluated: 2025-08-09. Review status: criteria provided, single submitter. Criteria: Invitae Variant Classification Sherloc (09022015). Collection method: clinical testing. Allele origin: germline.
Comment: This sequence change replaces glycine, which is neutral and non-polar, with arginine, which is basic and polar, at codon 655 of the COL1A2 protein (p.Gly655Arg). This variant is not present in population databases (gnomAD no frequency). This missense change has been observed in individual(s) with autosomal dominant osteogenesis imperfecta (internal data). ClinVar contains an entry for this variant (Variation ID: 1432478). Invitae Evidence Modeling of protein sequence and biophysical properties (such as structural, functional, and spatial information, amino acid conservation, physicochemical variation, residue mobility, and thermodynamic stability) indicates that this missense variant is expected to disrupt COL1A2 protein function with a positive predictive value of 95%. This variant disrupts the triple helix domain of COL1A2. Glycine residues within the Gly-Xaa-Yaa repeats of the triple helix domain are required for the structure and stability of fibrillar collagens (PMID: 7695699, 8218237, 19344236). In COL1A2, variants affecting these glycine residues are significantly enriched in individuals with disease (PMID: 9016532, 17078022) compared to the general population (ExAC). This variant disrupts the p.Gly655 amino acid residue in COL1A2. Other variant(s) that disrupt this residue have been observed in individuals with COL1A2-related conditions (PMID: 27519266, 30715774), which suggests that this may be a clinically significant amino acid residue. For these reasons, this variant has been classified as Pathogenic.

Dasa
Classification: Likely pathogenic. Last evaluated: 2025-04-22. Review status: criteria provided, single submitter. Criteria: DASA Assertion Criteria. Collection method: clinical testing. Allele origin: germline.
Comment: NM_000089.4(COL1A2):c.1963G>A (p.Gly655Arg) is a missense variant that results in the substitution of glycine with arginine. The affected residue or protein region has prior evidence supporting clinical relevance. This variant has been reported in individuals with COL1A2-related disorders. Also, this variant is absent from population databases. Computational evidence supports a deleterious effect. Based on the currently available evidence, this variant is classified as likely pathogenic.

Literature cited by the submitters: PubMed 7695699 (cited by Labcorp Genetics (formerly Invitae), Labcorp); PubMed 8218237 (cited by Labcorp Genetics (formerly Invitae), Labcorp); PubMed 19344236 (cited by Labcorp Genetics (formerly Invitae), Labcorp); PubMed 9016532 (cited by Labcorp Genetics (formerly Invitae), Labcorp); PubMed 17078022 (cited by Labcorp Genetics (formerly Invitae), Labcorp); PubMed 27519266 (cited by Labcorp Genetics (formerly Invitae), Labcorp); PubMed 30715774 (cited by Labcorp Genetics (formerly Invitae), Labcorp).

NM_000089.4(COL1A2):c.1963G>A (p.Gly655Arg)

Gene: COL1A2 (collagen type I alpha 2 chain; plus strand). Cytogenetic location: 7q21.3.
Variant type: single nucleotide variant.
Coding change: c.1963G>A on transcript NM_000089.4 (MANE Select); coding-DNA position 1963, G replaced by A.
Protein change: p.Gly655Arg; replaces glycine 655 with arginine.
Molecular consequence: missense variant.
Genome position (GRCh38, 1-based): chr7:94,417,823, G>A. VCF-style: chr7-94417823-G-A. GRCh37 (hg19) VCF-style: chr7-94047135-G-A.
Other names: short protein forms G655R.
Identifiers: ClinVar variation 1432478 (VCV001432478.8), dbSNP rs2115921786, ClinGen allele CA368222953.
Genomic context (GRCh38, chr7:94,417,823, plus strand): 5'-CCATCTGGTCCTAGTGGACTCCCAGGAGAGAGGGGTGCTGCTGGCATACCTGGAGGCAAG[G>A]GAGAAAAGGTACGTGTTGACCCCTATTACATATTGTTGATGAACTCTAGTAAAGAAGGCT-3'
Protein context (NP_000080.2, residues 645-665): RGAAGIPGGK[Gly655Arg]EKGEPGLRGE